The following is an entry in ClinVar:

ClinVar aggregate classification (germline): Uncertain significance (1 of 4 stars; one submission).

Conditions:
Encephalopathy, acute, infection-induced (herpes-specific), susceptibility to, 1. Also called: Herpes simplex encephalitis, susceptibility to, 1. Identifiers: Orphanet 1930, MedGen C2750180, MONDO:0024563, OMIM 610551.

gnomAD v4.1: 1 of 1,614,026 alleles (0.000062%); highest among the groups gnomAD compares: South Asian, 0.0011%; no homozygotes.

Submission:

Labcorp Genetics (formerly Invitae), Labcorp
Classification: Uncertain significance for Encephalopathy, acute, infection-induced (herpes-specific), susceptibility to, 1. Last evaluated: 2024-02-06. Review status: criteria provided, single submitter. Criteria: Invitae Variant Classification Sherloc (09022015). Collection method: clinical testing. Allele origin: germline.
Comment: This sequence change replaces valine, which is neutral and non-polar, with glycine, which is neutral and non-polar, at codon 850 of the TLR3 protein (p.Val850Gly). This variant is present in population databases (no rsID available, gnomAD 0.003%). This variant has not been reported in the literature in individuals affected with TLR3-related conditions. An algorithm developed to predict the effect of missense changes on protein structure and function (PolyPhen-2) suggests that this variant is likely to be disruptive. In summary, the available evidence is currently insufficient to determine the role of this variant in disease. Therefore, it has been classified as a Variant of Uncertain Significance.

NM_003265.3(TLR3):c.2549T>G (p.Val850Gly)

Gene: TLR3 (toll like receptor 3; plus strand). Cytogenetic location: 4q35.1.
Variant type: single nucleotide variant.
Coding change: c.2549T>G on transcript NM_003265.3 (MANE Select); coding-DNA position 2549, T replaced by G.
Protein change: p.Val850Gly; replaces valine 850 with glycine.
Molecular consequence: missense variant.
Genome position (GRCh38, 1-based): chr4:186,084,707, T>G. VCF-style: chr4-186084707-T-G. GRCh37 (hg19) VCF-style: chr4-187005861-T-G.
Other names: short protein forms V850G.
Identifiers: ClinVar variation 3638512 (VCV003638512.2).